The following is an entry in ClinVar:

ClinVar aggregate classification (germline): Conflicting classifications of pathogenicity. Review status: criteria provided, conflicting classifications (1 of 4 stars). 3 submissions from 3 submitters: Uncertain significance (2); Likely benign (1). Last evaluated 2025-09-08.

Conditions:
Hereditary cancer-predisposing syndrome. Also called: Hereditary Cancer Syndrome; Tumor predisposition; Hereditary neoplastic syndrome; Neoplastic Syndromes, Hereditary. Identifiers: Orphanet 140162, MedGen C0027672, MeSH D009386, MONDO:0015356.
Hereditary breast ovarian cancer syndrome. Also called: Hereditary breast and/or ovarian cancer syndrome; Hereditary breast and ovarian cancer syndrome; Hereditary breast and ovarian cancer syndrome (HBOC); Breast and ovarian cancer; Hereditary breast and ovarian cancer; BRCA1- and BRCA2-Associated Hereditary Breast and Ovarian Cancer. Identifiers: Orphanet 145, MedGen C0677776, MeSH D061325, MONDO:0003582. Disease mechanism: loss of function.

Submissions (3):

Ambry Genetics
Classification: Uncertain significance for Hereditary cancer-predisposing syndrome. Last evaluated: 2025-09-08. Review status: criteria provided, single submitter. Criteria: Ambry Variant Classification Scheme 2023. Collection method: clinical testing. Allele origin: germline.
Comment: The p.G1007D variant (also known as c.3020G>A), located in coding exon 10 of the BRCA2 gene, results from a G to A substitution at nucleotide position 3020. The glycine at codon 1007 is replaced by aspartic acid, an amino acid with similar properties. This amino acid position is not well conserved in available vertebrate species. In addition, the in silico prediction for this alteration is inconclusive. Based on the available evidence, the clinical significance of this variant remains unclear.

University of Washington Department of Laboratory Medicine, University of Washington
Classification: Likely benign for Hereditary cancer-predisposing syndrome. Last evaluated: 2023-03-23. Review status: criteria provided, single submitter. Criteria: Dines et al. (Genet Med. 2020). Collection method: curation. Allele origin: germline.
Comment: Missense variant in a coldspot region where missense variants are very unlikely to be pathogenic (PMID:31911673).

BRCA2 exon 11 coldspot. Reclassification based on statistical prior probability.

Labcorp Genetics (formerly Invitae), Labcorp
Classification: Uncertain significance for Hereditary breast ovarian cancer syndrome. Last evaluated: 2020-01-17. Review status: criteria provided, single submitter. Criteria: Invitae Variant Classification Sherloc (09022015). Collection method: clinical testing. Allele origin: germline.
Comment: In summary, the available evidence is currently insufficient to determine the role of this variant in disease. Therefore, it has been classified as a Variant of Uncertain Significance. Algorithms developed to predict the effect of missense changes on protein structure and function (SIFT, PolyPhen-2, Align-GVGD) all suggest that this variant is likely to be tolerated, but these predictions have not been confirmed by published functional studies and their clinical significance is uncertain. This variant has not been reported in the literature in individuals with BRCA2-related conditions. This variant is not present in population databases (ExAC no frequency). This sequence change replaces glycine with aspartic acid at codon 1007 of the BRCA2 protein (p.Gly1007Asp). The glycine residue is weakly conserved and there is a moderate physicochemical difference between glycine and aspartic acid.

NM_000059.4(BRCA2):c.3020G>A (p.Gly1007Asp)

Gene: BRCA2 (BRCA2 DNA repair associated; plus strand). Cytogenetic location: 13q13.1.
Variant type: single nucleotide variant.
Coding change: c.3020G>A on transcript NM_000059.4 (MANE Select); coding-DNA position 3020, G replaced by A.
Protein change: p.Gly1007Asp; replaces glycine 1007 with aspartic acid.
Molecular consequence: missense variant.
Genome position (GRCh38, 1-based): chr13:32,337,375, G>A. VCF-style: chr13-32337375-G-A. GRCh37 (hg19) VCF-style: chr13-32911512-G-A.
Other names: c.3020G>A (NM_000059.3); short protein forms G1007D.
Identifiers: ClinVar variation 1054910 (VCV001054910.14), dbSNP rs1566227648, ClinGen allele CA387774831.